The following is an entry in ClinVar:

ClinVar aggregate classification (germline): Uncertain significance. Review status: criteria provided, multiple submitters, no conflicts (2 of 4 stars). 2 submissions from 2 submitters: Uncertain significance (2). Last evaluated 2026-01-13.

Conditions:
Hereditary cancer-predisposing syndrome. Also called: Neoplastic Syndromes, Hereditary; Tumor predisposition; Hereditary Cancer Syndrome; Hereditary neoplastic syndrome. Identifiers: Orphanet 140162, MedGen C0027672, MeSH D009386, MONDO:0015356.
Breast-ovarian cancer, familial, susceptibility to, 4. Identifiers: Orphanet 145, MedGen C3280345, MONDO:0013669, OMIM 614291.

gnomAD v4.1: 1 of 1,614,076 alleles (0.000062%); highest among the groups gnomAD compares: Non-Finnish European, 0.000085%; no homozygotes.

Submissions (2):

Labcorp Genetics (formerly Invitae), Labcorp
Classification: Uncertain significance for Breast-ovarian cancer, familial, susceptibility to, 4. Last evaluated: 2026-01-13. Review status: criteria provided, single submitter. Criteria: Invitae Variant Classification Sherloc (09022015). Collection method: clinical testing. Allele origin: germline.
Comment: This sequence change replaces alanine, which is neutral and non-polar, with proline, which is neutral and non-polar, at codon 63 of the RAD51D protein (p.Ala63Pro). This variant is present in population databases (no rsID available, gnomAD 0.007%). This variant has not been reported in the literature in individuals affected with RAD51D-related conditions. ClinVar contains an entry for this variant (Variation ID: 3429732). Invitae Evidence Modeling of protein sequence and biophysical properties (such as structural, functional, and spatial information, amino acid conservation, physicochemical variation, residue mobility, and thermodynamic stability) indicates that this missense variant is not expected to disrupt RAD51D protein function with a negative predictive value of 80%. In summary, the available evidence is currently insufficient to determine the role of this variant in disease. Therefore, it has been classified as a Variant of Uncertain Significance.

Ambry Genetics
Classification: Uncertain significance for Hereditary cancer-predisposing syndrome. Last evaluated: 2024-08-30. Review status: criteria provided, single submitter. Criteria: Ambry Variant Classification Scheme 2023. Collection method: clinical testing. Allele origin: germline.
Comment: The p.A63P variant (also known as c.187G>C), located in coding exon 3 of the RAD51D gene, results from a G to C substitution at nucleotide position 187. The alanine at codon 63 is replaced by proline, an amino acid with highly similar properties. This amino acid position is well conserved in available vertebrate species. In addition, this alteration is predicted to be tolerated by in silico analysis. Based on the available evidence, the clinical significance of this variant remains unclear.

NM_002878.4(RAD51D):c.187G>C (p.Ala63Pro)

Genes: RAD51L3-RFFL (RAD51L3-RFFL readthrough; minus strand), RAD51D (RAD51 paralog D; minus strand). Cytogenetic location: 17q12.
Variant type: single nucleotide variant.
Coding change: c.187G>C on transcript NM_002878.4 (MANE Select); coding-DNA position 187, G replaced by C.
Protein change: p.Ala63Pro; replaces alanine 63 with proline.
Molecular consequence: missense variant. On other transcripts: intron variant (2).
Genome position (GRCh38, 1-based): chr17:35,118,577, C>G on the plus strand (G>C on the coding strand, the complement: RAD51D is on the minus strand). VCF-style: chr17-35118577-C-G. GRCh37 (hg19) VCF-style: chr17-33445596-C-G.
Other names: c.144+534G>C (NM_133629.3, NM_001142571.2); short protein forms A63P.
Identifiers: ClinVar variation 3429732 (VCV003429732.2).
Genomic context (GRCh38, chr17:35,118,577, plus strand): 5'-ACAGGATGGCAGTGGAGGTCTTCAGTTCCTCGTAGAGATCAGCGCCATTCACGGGGAAAG[C>G]CGAGAACTGAGCCAGCAGCACCCGCCTCAGGGCAACCAGGGCCTGCCAAAGGGCCCCAGA-3'
Protein context (NP_002869.3, residues 53-73): LRRVLLAQFS[Ala63Pro]FPVNGADLYE